The following is an entry in ClinVar:

ClinVar aggregate classification (germline): Conflicting classifications of pathogenicity. Review status: criteria provided, conflicting classifications (1 of 4 stars). 4 submissions from 4 submitters: Likely pathogenic (2); Uncertain significance (1). 1 of the submissions does not count toward it. Last evaluated 2025-08-07.

Conditions:
Factor XI deficiency. Identifiers: MedGen C4321502, MONDO:0020587.
Plasma factor XI deficiency.
Hereditary factor XI deficiency disease. Also called: Congenital factor XI deficiency; PLASMA THROMBOPLASTIN ANTECEDENT DEFICIENCY; PTA DEFICIENCY; ROSENTHAL SYNDROME. Identifiers: Orphanet 329, MedGen C0015523, MeSH D005173, MONDO:0012897, OMIM 612416.

Allele frequency attached by ClinVar (database versions not stated): gnomAD 0.00004 and 0.00005; TOPMed 0.00004; 1000 Genomes Project 0.00020; 1000 Genomes Project 30x 0.00031.
gnomAD v4.1: 29 of 1,614,066 alleles (0.0018%); highest among the groups gnomAD compares: African/African-American, 0.012%; no homozygotes.

Submissions (4):

Natera, Inc.
Classification: Likely pathogenic for Plasma factor XI deficiency. Last evaluated: 2025-08-07. Review status: criteria provided, single submitter. Criteria: Natera Variant Classification Schema (03/2026). Collection method: clinical testing. Allele origin: germline.
Comment: The c.803G>A variant in F11 is a missense variant predicted to cause substitution of arginine to histidine at amino acid 268. This variant is rare in the general population with a frequency below the threshold expected for the associated phenotype(s). This variant has been observed in one or more individuals affected with the associated recessive disease, as either homozygous or compound heterozygous with a second variant (PMID: 18446632). A different variant at the same position has been determined to be Pathogenic or Likely Pathogenic. Given the available evidence, this variant is classified as Likely Pathogenic.

North West Genomic Laboratory Hub, Manchester University NHS Foundation Trust
Classification: Likely pathogenic for Factor XI deficiency. Last evaluated: 2024-10-03. Review status: criteria provided, single submitter. Criteria: ACGS Best Practice Guidelines for Variant Classification in Rare Disease 2020. Collection method: clinical testing. Allele origin: germline. Affected: yes.
Comment: PM3_Supp PP4_Mod PM2_Mod PM5_Mod

GeneDx
Classification: Uncertain significance. Last evaluated: 2022-11-14. Review status: criteria provided, single submitter. Criteria: GeneDx Variant Classification Process June 2021. Collection method: clinical testing. Allele origin: germline. Affected: yes.
Comment: Observed with a second F11 variant in a patient with bleeding and reduced F11 activity in published literature; described as c.803G>A (p.Arg250His) (Duncan et al., 2008); In silico analysis supports that this missense variant does not alter protein structure/function; This variant is associated with the following publications: (PMID: 25525159, 19652879, 34272389, 18446632)

Counsyl
Classification: Uncertain significance for Hereditary factor XI deficiency disease. Last evaluated: 2017-03-07. Review status: no assertion criteria provided. Collection method: clinical testing. Allele origin: unknown. Not counted in ClinVar's aggregate classification.

Literature cited by the submitters: PubMed 18446632 (cited by Natera, Inc. and Counsyl).

NM_000128.4(F11):c.803G>A (p.Arg268His)

Gene: F11 (coagulation factor XI; plus strand). Cytogenetic location: 4q35.2.
Variant type: single nucleotide variant.
Coding change: c.803G>A on transcript NM_000128.4 (MANE Select); coding-DNA position 803, G replaced by A.
Protein change: p.Arg268His; replaces arginine 268 with histidine.
Molecular consequence: missense variant.
Genome position (GRCh38, 1-based): chr4:186,280,059, G>A. VCF-style: chr4-186280059-G-A. GRCh37 (hg19) VCF-style: chr4-187201213-G-A.
Other names: short protein forms R268H.
Identifiers: ClinVar variation 551022 (VCV000551022.5), dbSNP rs201688862, ClinGen allele CA3163786.